The following is an entry in ClinVar:

ClinVar aggregate classification (germline): Uncertain significance (1 of 4 stars; one submission).

gnomAD v4.1: 2 of 1,613,844 alleles (0.00012%); highest among the groups gnomAD compares: Non-Finnish European, 0.00017%; no homozygotes.

Submission:

Women's Health and Genetics/Laboratory Corporation of America, LabCorp
Classification: Uncertain significance. Last evaluated: 2026-03-13. Review status: criteria provided, single submitter. Criteria: LabCorp Variant Classification Summary - May 2015. Collection method: clinical testing. Allele origin: germline.
Comment: Variant summary: SYNE1 c.21433G>T (p.Val7145Phe) results in a non-conservative amino acid change in the encoded protein sequence. Algorithms developed to predict the effect of missense changes on protein structure and function are either unavailable or do not agree on the potential impact of this missense change. The variant was absent in 251164 control chromosomes. The available data on variant occurrences in the general population are insufficient to allow any conclusion about variant significance. To our knowledge, no occurrence of c.21433G>T in individuals affected with SYNE1-related conditions and no experimental evidence demonstrating its impact on protein function have been reported. No submitters have cited clinical-significance assessments for this variant to ClinVar. Based on the evidence outlined above, the variant was classified as uncertain significance.

NM_182961.4(SYNE1):c.21646G>T (p.Val7216Phe)

Genes: SYNE1 (spectrin repeat containing nuclear envelope protein 1; minus strand), LOC126859836 (MED14-independent group 3 enhancer GRCh37_chr6:152542272-152543471; plus strand). Cytogenetic location: 6q25.2.
Variant type: single nucleotide variant.
Coding change: c.21646G>T on transcript NM_182961.4 (MANE Select); coding-DNA position 21646, G replaced by T.
Protein change: p.Val7216Phe; replaces valine 7216 with phenylalanine.
Molecular consequence: missense variant.
Genome position (GRCh38, 1-based): chr6:152,221,436, C>A on the plus strand (G>T on the coding strand, the complement: SYNE1 is on the minus strand). VCF-style: chr6-152221436-C-A. GRCh37 (hg19) VCF-style: chr6-152542571-C-A.
Other names: c.21433G>T, p.Val7145Phe (NM_033071.5); short protein forms V7145F, V7216F.
Identifiers: ClinVar variation 4847233 (VCV004847233.1).